The following is an entry in ClinVar:

NM_000059.4(BRCA2):c.5447G>T (p.Ser1816Ile)

Gene: BRCA2 (BRCA2 DNA repair associated; plus strand). Cytogenetic location: 13q13.1.
Variant type: single nucleotide variant.
Coding change: c.5447G>T on transcript NM_000059.4 (MANE Select); coding-DNA position 5447, G replaced by T.
Protein change: p.Ser1816Ile; replaces serine 1816 with isoleucine.
Molecular consequence: missense variant.
Genome position (GRCh38, 1-based): chr13:32,339,802, G>T. VCF-style: chr13-32339802-G-T. GRCh37 (hg19) VCF-style: chr13-32913939-G-T.
Other names: c.5447G>T, p.Ser1816Ile (NM_001406720.1, NM_001406719.1); short protein forms S1816I.
Identifiers: ClinVar variation 1747577 (VCV001747577.10), dbSNP rs2072529621, ClinGen allele CA387785577.

ClinVar aggregate classification (germline): Conflicting classifications of pathogenicity. Review status: criteria provided, conflicting classifications (1 of 4 stars). 4 submissions from 4 submitters: Uncertain significance (3); Likely benign (1). Last evaluated 2023-08-25.

Conditions:
Hereditary cancer-predisposing syndrome. Also called: Hereditary Cancer Syndrome; Neoplastic Syndromes, Hereditary; Tumor predisposition; Hereditary neoplastic syndrome. Identifiers: Orphanet 140162, MedGen C0027672, MeSH D009386, MONDO:0015356.
Hereditary breast ovarian cancer syndrome. Also called: Breast and ovarian cancer; Hereditary breast and ovarian cancer; Hereditary breast and/or ovarian cancer syndrome; BRCA1- and BRCA2-Associated Hereditary Breast and Ovarian Cancer; Hereditary breast and ovarian cancer syndrome (HBOC); Hereditary breast and ovarian cancer syndrome. Identifiers: Orphanet 145, MedGen C0677776, MeSH D061325, MONDO:0003582. Disease mechanism: loss of function.

Submissions (4):

Labcorp Genetics (formerly Invitae), Labcorp
Classification: Uncertain significance for Hereditary breast ovarian cancer syndrome. Last evaluated: 2023-08-25. Review status: criteria provided, single submitter. Criteria: Invitae Variant Classification Sherloc (09022015). Collection method: clinical testing. Allele origin: germline.
Comment: Advanced modeling of protein sequence and biophysical properties (such as structural, functional, and spatial information, amino acid conservation, physicochemical variation, residue mobility, and thermodynamic stability) performed at Invitae indicates that this missense variant is not expected to disrupt BRCA2 protein function. In summary, the available evidence is currently insufficient to determine the role of this variant in disease. Therefore, it has been classified as a Variant of Uncertain Significance. ClinVar contains an entry for this variant (Variation ID: 1747577). This variant has not been reported in the literature in individuals affected with BRCA2-related conditions. This variant is not present in population databases (gnomAD no frequency). This sequence change replaces serine, which is neutral and polar, with isoleucine, which is neutral and non-polar, at codon 1816 of the BRCA2 protein (p.Ser1816Ile).

University of Washington Department of Laboratory Medicine, University of Washington
Classification: Likely benign for Hereditary cancer-predisposing syndrome. Last evaluated: 2023-03-23. Review status: criteria provided, single submitter. Criteria: Dines et al. (Genet Med. 2020). Collection method: curation. Allele origin: germline.
Comment: Missense variant in a coldspot region where missense variants are very unlikely to be pathogenic (PMID:31911673).

BRCA2 exon 11 coldspot. Reclassification based on statistical prior probability.

Quest Diagnostics Nichols Institute San Juan Capistrano
Classification: Uncertain significance. Last evaluated: 2023-01-06. Review status: criteria provided, single submitter. Criteria: Quest Diagnostics criteria. Collection method: clinical testing. Allele origin: unknown.
Comment: The variant has not been reported in the published literature. It also has not been reported in large, multi-ethnic general populations. Analysis of this variant using bioinformatics tools for the prediction of the effect of amino acid changes on protein structure and function yielded predictions that this variant is benign. Based on the available information, we are unable to determine the clinical significance of this variant.

Ambry Genetics
Classification: Uncertain significance for Hereditary cancer-predisposing syndrome. Last evaluated: 2022-07-02. Review status: criteria provided, single submitter. Criteria: Ambry Variant Classification Scheme 2023. Collection method: clinical testing. Allele origin: germline.
Comment: The p.S1816I variant (also known as c.5447G>T), located in coding exon 10 of the BRCA2 gene, results from a G to T substitution at nucleotide position 5447. The serine at codon 1816 is replaced by isoleucine, an amino acid with dissimilar properties. This amino acid position is conserved. In addition, this alteration is predicted to be tolerated by in silico analysis. Since supporting evidence is limited at this time, the clinical significance of this alteration remains unclear.